The following is an entry in ClinVar:

ClinVar aggregate classification (germline): Uncertain significance. Review status: criteria provided, multiple submitters, no conflicts (2 of 4 stars). 2 submissions from 2 submitters: Uncertain significance (2). Last evaluated 2022-03-09.

Conditions:
Congenital myasthenic syndrome 9. Also called: Myasthenic syndrome, congenital, 9, associated with acetylcholine receptor deficiency. Identifiers: Orphanet 590, MedGen C4225368, MONDO:0014587, OMIM 616325.
Fetal akinesia deformation sequence 1 (FADS1). Also called: Pena-Shokeir syndrome type I; Fetal akinesia sequence. Identifiers: Orphanet 994, MedGen C1276035, MONDO:0100101, OMIM 208150, HP:0001989.

Allele frequency attached by ClinVar (database versions not stated): ExAC 0.00001; gnomAD 0.00001; gnomAD exomes 0.00001 and 0.00007.
gnomAD v4.1: 102 of 1,613,766 alleles (0.0063%); highest among the groups gnomAD compares: Non-Finnish European, 0.0083%; no homozygotes.

Submissions (2):

Labcorp Genetics (formerly Invitae), Labcorp
Classification: Uncertain significance for Congenital myasthenic syndrome 9; Fetal akinesia deformation sequence 1. Last evaluated: 2022-03-09. Review status: criteria provided, single submitter. Criteria: Invitae Variant Classification Sherloc (09022015). Collection method: clinical testing. Allele origin: germline.
Comment: This sequence change replaces arginine, which is basic and polar, with histidine, which is basic and polar, at codon 778 of the MUSK protein (p.Arg778His). This variant is present in population databases (rs751712655, gnomAD 0.006%). This variant has not been reported in the literature in individuals affected with MUSK-related conditions. ClinVar contains an entry for this variant (Variation ID: 914985). Advanced modeling of protein sequence and biophysical properties (such as structural, functional, and spatial information, amino acid conservation, physicochemical variation, residue mobility, and thermodynamic stability) performed at Invitae indicates that this missense variant is expected to disrupt MUSK protein function. In summary, the available evidence is currently insufficient to determine the role of this variant in disease. Therefore, it has been classified as a Variant of Uncertain Significance.

Illumina Laboratory Services, Illumina
Classification: Uncertain significance for Congenital myasthenic syndrome 9. Last evaluated: 2018-01-12. Review status: criteria provided, single submitter. Criteria: ICSL Variant Classification Criteria 13 December 2019. Collection method: clinical testing. Allele origin: germline.

NM_005592.4(MUSK):c.2333G>A (p.Arg778His)

Gene: MUSK (muscle associated receptor tyrosine kinase; plus strand). Cytogenetic location: 9q31.3.
Variant type: single nucleotide variant.
Coding change: c.2333G>A on transcript NM_005592.4 (MANE Select); coding-DNA position 2333, G replaced by A.
Protein change: p.Arg778His; replaces arginine 778 with histidine.
Molecular consequence: missense variant.
Genome position (GRCh38, 1-based): chr9:110,800,711, G>A. VCF-style: chr9-110800711-G-A. GRCh37 (hg19) VCF-style: chr9-113562991-G-A.
Other names: c.2075G>A, p.Arg692His (NM_001166280.2); c.2045G>A, p.Arg682His (NM_001166281.2); c.1073G>A, p.Arg358His (NM_001369398.1); short protein forms R682H, R692H, R358H, R778H.
Identifiers: ClinVar variation 914985 (VCV000914985.10), dbSNP rs751712655, ClinGen allele CA5184612.